The following is an entry in ClinVar:

NM_003482.4(KMT2D):c.8767G>T (p.Gly2923Cys)

Gene: KMT2D (lysine methyltransferase 2D; minus strand). Cytogenetic location: 12q13.12.
Variant type: single nucleotide variant.
Coding change: c.8767G>T on transcript NM_003482.4 (MANE Select); coding-DNA position 8767, G replaced by T.
Protein change: p.Gly2923Cys; replaces glycine 2923 with cysteine.
Molecular consequence: missense variant.
Genome position (GRCh38, 1-based): chr12:49,038,589, C>A on the plus strand (G>T on the coding strand, the complement: KMT2D is on the minus strand). VCF-style: chr12-49038589-C-A. GRCh37 (hg19) VCF-style: chr12-49432372-C-A.
Other names: short protein forms G2923C.
Identifiers: ClinVar variation 1028120 (VCV001028120.19), dbSNP rs988820724, ClinGen allele CA236645484.
Genomic context (GRCh38, chr12:49,038,589, plus strand): 5'-TCAATTCAGGGGCCGGTGGGGCTGAGGGTTTCTGTGGGGGAAGACCTGATACCGCCAGGC[C>A]CCGAAGCCCTTCAGGAGCCAGTCGGTGGGGGTCCTCACTTACAGGGTAAAAACGGGGTCT-3'
Protein context (NP_003473.3, residues 2913-2933): PHRLAPEGLR[Gly2923Cys]LAVSGLPPQK

ClinVar aggregate classification (germline): Uncertain significance. Review status: criteria provided, multiple submitters, no conflicts (2 of 4 stars). 5 submissions from 5 submitters: Uncertain significance (5). Last evaluated 2024-12-01.

Conditions:
Kabuki syndrome 1 (KABUK1). Also called: KMT2D-Related Kabuki Syndrome. Identifiers: Orphanet 2322, MedGen CN030661, MONDO:0007843, OMIM 147920.

Allele frequency attached by ClinVar (database versions not stated): gnomAD exomes below 0.00001.
gnomAD v4.1: 4 of 1,612,666 alleles (0.00025%); highest among the groups gnomAD compares: Middle Eastern, 0.049%; no homozygotes.

Submissions (5):

CeGaT Center for Human Genetics Tuebingen
Classification: Uncertain significance. Last evaluated: 2024-12-01. Review status: criteria provided, single submitter. Criteria: CeGaT Center For Human Genetics Tuebingen Variant Classification Criteria Version 2. Collection method: clinical testing. Allele origin: germline. Affected: yes. Observed: 1 variant allele.
Comment: KMT2D: PM2

Blueprint Genetics
Classification: Uncertain significance. Last evaluated: 2022-10-18. Review status: criteria provided, single submitter. Criteria: ACMG Guidelines, 2015. Collection method: clinical testing. Allele origin: germline.

Revvity Omics, Revvity
Classification: Uncertain significance. Last evaluated: 2021-03-17. Review status: criteria provided, single submitter. Criteria: ACMG Guidelines, 2015. Collection method: clinical testing. Allele origin: germline.

Baylor Genetics
Classification: Uncertain significance for Kabuki syndrome 1. Last evaluated: 2019-10-31. Review status: criteria provided, single submitter. Criteria: ACMG Guidelines, 2015. Collection method: clinical testing. Allele origin: unknown. Affected: yes.
Comment: This variant was determined to be of uncertain significance according to ACMG Guidelines, 2015 [PMID:25741868].

Breakthrough Genomics
Classification: Uncertain significance. Review status: criteria provided, single submitter. Criteria: ACMG Guidelines, 2015. Collection method: not provided. Allele origin: germline. Inheritance: Autosomal dominant inheritance. Affected: yes.